The following is an entry in ClinVar:

NM_001242896.3(DEPDC5):c.1960T>C (p.Ser654Pro)

Gene: DEPDC5 (DEP domain containing 5, GATOR1 subcomplex subunit; plus strand). Cytogenetic location: 22q12.3.
Variant type: single nucleotide variant.
Coding change: c.1960T>C on transcript NM_001242896.3 (MANE Select); coding-DNA position 1960, T replaced by C.
Protein change: p.Ser654Pro; replaces serine 654 with proline.
Molecular consequence: missense variant. On other transcripts: non-coding transcript variant (4), intron variant (3).
Genome position (GRCh38, 1-based): chr22:31,821,591, T>C. VCF-style: chr22-31821591-T-C. GRCh37 (hg19) VCF-style: chr22-32217577-T-C.
Other names: c.1960T>C, p.Ser654Pro (NM_001136029.4, NM_001363852.2, NM_001364318.2 and 3 more transcripts); c.1876T>C, p.Ser626Pro (NM_001369901.1, NM_001369902.1); c.1870+2366T>C (NM_001363854.2, NM_001242897.2, NM_001364319.2); short protein forms S626P, S654P.
Identifiers: ClinVar variation 1033378 (VCV001033378.11), dbSNP rs774477005, ClinGen allele CA10196515.

ClinVar aggregate classification (germline): Uncertain significance. Review status: criteria provided, multiple submitters, no conflicts (2 of 4 stars). 3 submissions from 3 submitters: Uncertain significance (2). 1 of the submissions does not count toward it. Last evaluated 2025-04-18.

Conditions:
Epilepsy, familial focal, with variable foci 1 (FFEVF1). Also called: DEPDC5-Related Epilepsy. Identifiers: MedGen C4551983, MONDO:0024556, OMIM 604364.
DEPDC5-related disorder. Also called: DEPDC5-related condition; DEPDC5-related related disorder.
Familial focal epilepsy with variable foci (FPEVF). Identifiers: Orphanet 98820, MedGen C1858477, MONDO:0020310.

Allele frequency attached by ClinVar (database versions not stated): ExAC 0.00001; TOPMed 0.00001; gnomAD exomes 0.00002.
gnomAD v4.1: 9 of 1,614,118 alleles (0.00056%); highest among the groups gnomAD compares: Admixed American, 0.015%; no homozygotes.

Submissions (3):

Labcorp Genetics (formerly Invitae), Labcorp
Classification: Uncertain significance for Familial focal epilepsy with variable foci. Last evaluated: 2025-04-18. Review status: criteria provided, single submitter. Criteria: Invitae Variant Classification Sherloc (09022015). Collection method: clinical testing. Allele origin: germline.
Comment: This sequence change replaces serine, which is neutral and polar, with proline, which is neutral and non-polar, at codon 654 of the DEPDC5 protein (p.Ser654Pro). This variant is present in population databases (rs774477005, gnomAD 0.02%). This variant has not been reported in the literature in individuals affected with DEPDC5-related conditions. ClinVar contains an entry for this variant (Variation ID: 1033378). Experimental studies and prediction algorithms are not available or were not evaluated, and the functional significance of this variant is currently unknown. In summary, the available evidence is currently insufficient to determine the role of this variant in disease. Therefore, it has been classified as a Variant of Uncertain Significance.

Baylor Genetics
Classification: Uncertain significance for Epilepsy, familial focal, with variable foci 1. Last evaluated: 2018-11-28. Review status: criteria provided, single submitter. Criteria: ACMG Guidelines, 2015. Collection method: clinical testing. Allele origin: paternal. Affected: yes.
Comment: This variant was determined to be of uncertain significance according to ACMG Guidelines, 2015 [PMID:25741868].

PreventionGenetics, part of Exact Sciences
Classification: Uncertain significance for DEPDC5-related condition. Last evaluated: 2023-11-17. Review status: no assertion criteria provided. Collection method: clinical testing. Allele origin: germline. Not counted in ClinVar's aggregate classification.
Comment: The DEPDC5 c.1960T>C variant is predicted to result in the amino acid substitution p.Ser654Pro. To our knowledge, this variant has not been reported in the literature. This variant is reported in 0.017% of alleles in individuals of Latino descent in gnomAD, which is more common than expected to be a primary cause of disease. Although we suspect that this variant may be benign, at this time, the clinical significance of this variant is uncertain due to the absence of conclusive functional and genetic evidence.